The following is an entry in ClinVar:

NM_004006.3(DMD):c.2330T>C (p.Leu777Pro)

Gene: DMD (dystrophin; minus strand). Cytogenetic location: Xp21.1.
Variant type: single nucleotide variant.
Coding change: c.2330T>C on transcript NM_004006.3 (MANE Select); coding-DNA position 2330, T replaced by C.
Protein change: p.Leu777Pro; replaces leucine 777 with proline.
Molecular consequence: missense variant.
Genome position (GRCh38, 1-based): chrX:32,501,805, A>G on the plus strand (T>C on the coding strand, the complement: DMD is on the minus strand). VCF-style: chrX-32501805-A-G. GRCh37 (hg19) VCF-style: chrX-32519922-A-G.
Other names: c.2306T>C, p.Leu769Pro (NM_000109.4); c.2318T>C, p.Leu773Pro (NM_004009.3); c.1961T>C, p.Leu654Pro (NM_004010.3); short protein forms L777P, L769P, L654P, L773P.
Identifiers: ClinVar variation 194952 (VCV000194952.17), dbSNP rs794727226, ClinGen allele CA241197.
Genomic context (GRCh38, chrX:32,501,805, plus strand): 5'-GTGTAATTACCATTCACCATCTGTTCCACCAGGGCCTGAGCTGATCTGCTGGCATCTTGC[A>G]GTTTTCTGAACTTCTCAGCTTTTTCTCGCTCTATGGCCTGCAGCATGAGAGCAAAGATGA-3'
Protein context (NP_003997.2, residues 767-787): EREKAEKFRK[Leu777Pro]QDASRSAQAL

ClinVar aggregate classification (germline): Uncertain significance. Review status: criteria provided, multiple submitters, no conflicts (2 of 4 stars). 6 submissions from 6 submitters: Uncertain significance (5). 1 of the submissions does not count toward it. Last evaluated 2024-06-06.

Conditions:
Cardiomyopathy (CMYO). Also called: Cardiomyopathies. Identifiers: Orphanet 167848, MedGen C0878544, MONDO:0004994, HP:0001638. Inheritance: Various modes of inheritance.
Duchenne muscular dystrophy (DMD). Also called: MUSCULAR DYSTROPHY, PSEUDOHYPERTROPHIC PROGRESSIVE, DUCHENNE TYPE; Duchenne Muscular Dystrophy (DMD). Identifiers: Orphanet 98896, MedGen C0013264, MONDO:0010679, OMIM 310200.
Becker muscular dystrophy (BMD). Also called: Becker Muscular Dystrophy (BMD); MUSCULAR DYSTROPHY, PSEUDOHYPERTROPHIC PROGRESSIVE, BECKER TYPE. Identifiers: Orphanet 98895, MedGen C0917713, MONDO:0010311, OMIM 300376.
Dystrophin deficiency.
Dilated cardiomyopathy 3B (CMD3B). Also called: CMD3B: DMD-Related Dilated Cardiomyopathy; CARDIOMYOPATHY, DILATED, X-LINKED; DMD-Associated Dilated Cardiomyopathy. Identifiers: Orphanet 154, MedGen C3668940, MONDO:0010542, OMIM 302045.

Allele frequency attached by ClinVar (database versions not stated): gnomAD exomes below 0.00001.
gnomAD v4.1: 2 of 1,209,140 alleles (0.00017%); highest among the groups gnomAD compares: Non-Finnish European, 0.00022%; no homozygotes.

Submissions (6):

Revvity Omics, Revvity
Classification: Uncertain significance. Last evaluated: 2024-06-06. Review status: criteria provided, single submitter. Criteria: ACMG Guidelines, 2015. Collection method: clinical testing. Allele origin: germline.

Labcorp Genetics (formerly Invitae), Labcorp
Classification: Uncertain significance for Duchenne muscular dystrophy. Last evaluated: 2024-01-04. Review status: criteria provided, single submitter. Criteria: Invitae Variant Classification Sherloc (09022015). Collection method: clinical testing. Allele origin: germline.
Comment: This sequence change replaces leucine, which is neutral and non-polar, with proline, which is neutral and non-polar, at codon 777 of the DMD protein (p.Leu777Pro). This variant is not present in population databases (gnomAD no frequency). This missense change has been observed in individual(s) with Duchenne muscular dystrophy (PMID: 29365344, 33644936). ClinVar contains an entry for this variant (Variation ID: 194952). Advanced modeling of protein sequence and biophysical properties (such as structural, functional, and spatial information, amino acid conservation, physicochemical variation, residue mobility, and thermodynamic stability) performed at Invitae indicates that this missense variant is not expected to disrupt DMD protein function with a negative predictive value of 95%. In summary, the available evidence is currently insufficient to determine the role of this variant in disease. Therefore, it has been classified as a Variant of Uncertain Significance.

Fulgent Genetics
Classification: Uncertain significance for Becker muscular dystrophy; Dilated cardiomyopathy 3B; Duchenne muscular dystrophy. Last evaluated: 2018-10-31. Review status: criteria provided, single submitter. Criteria: ACMG Guidelines, 2015. Collection method: clinical testing. Allele origin: unknown.

GeneDx
Classification: Uncertain significance. Last evaluated: 2017-09-21. Review status: criteria provided, single submitter. Criteria: GeneDx Variant Classification (06012015). Collection method: clinical testing. Allele origin: germline. Affected: yes.
Comment: The L777P variant in the DMD gene has not been reported previously as a pathogenic variant, nor as a benign variant, to our knowledge. The L777P variant is not observed in large population cohorts (Lek et al., 2016; 1000 Genomes Consortium et al., 2015; Exome Variant Server). The L777P variant is a semi-conservative amino acid substitution, which may impact secondary protein structure as these residues differ in some properties. This substitution occurs at a position that is conserved across species. In silico analysis predicts this variant is probably damaging to the protein structure/function. We interpret L777P as a variant of uncertain significance

Eurofins Ntd Llc (ga)
Classification: Uncertain significance. Last evaluated: 2015-04-17. Review status: criteria provided, single submitter. Criteria: EGL Classification Definitions 2015. Collection method: clinical testing. Allele origin: germline. Observed: 1 variant allele, 1 hemizygote.

Natera, Inc.
Classification: Uncertain significance for Becker muscular dystrophy; Cardiomyopathy; Duchenne muscular dystrophy; Dystrophin deficiency. Last evaluated: 2020-12-01. Review status: no assertion criteria provided. Collection method: clinical testing. Allele origin: germline. Not counted in ClinVar's aggregate classification.

Literature cited by the submitters: PubMed 29365344 (cited by Labcorp Genetics (formerly Invitae), Labcorp); PubMed 33644936 (cited by Labcorp Genetics (formerly Invitae), Labcorp).